The following is an entry in ClinVar:

NM_001399.5(EDA):c.589del (p.Gln197fs)

Gene: EDA (ectodysplasin A; plus strand). Cytogenetic location: Xq13.1.
Variant type: Deletion.
Coding change: c.589del on transcript NM_001399.5 (MANE Select); coding-DNA position 589, one base deleted (C; older notation c.589delC).
Protein change: p.Gln197fs; shifts the reading frame from glutamine 197.
Molecular consequence: frameshift variant.
Genome position (GRCh38, 1-based): chrX:70,027,919, C deleted; the last of 4 consecutive C bases (chrX:70,027,916-70,027,919); deleting any one gives the same sequence. VCF-style (leftmost placement, unchanged base first): chrX-70027915-AC-A. GRCh37 (hg19) VCF-style: chrX-69247765-AC-A.
Other names: c.589del, p.Gln197fs (NM_001005609.2, NM_001005612.3); short protein forms Q197fs.
Identifiers: ClinVar variation 848231 (VCV000848231.7), dbSNP rs2020137674, ClinGen allele CA916083962.

ClinVar aggregate classification (germline): Pathogenic (1 of 4 stars; one submission).

Conditions:
Hypohidrotic X-linked ectodermal dysplasia (XHED). Also called: ECTODERMAL DYSPLASIA, HYPOHIDROTIC, 1; CST SYNDROME; Anhidrotic ectodermal dysplasia X-linked; Christ Siemens Touraine syndrome; ECTODERMAL DYSPLASIA 1, HYPOHIDROTIC, X-LINKED; ECTODERMAL DYSPLASIA 1, HYPOHIDROTIC/HAIR/TOOTH TYPE, X-LINKED. Identifiers: Orphanet 181, Orphanet 238468, MedGen C0162359, MONDO:0010585, OMIM 305100.

Submission:

Labcorp Genetics (formerly Invitae), Labcorp
Classification: Pathogenic for Hypohidrotic X-linked ectodermal dysplasia. Last evaluated: 2019-02-02. Review status: criteria provided, single submitter. Criteria: Invitae Variant Classification Sherloc (09022015). Collection method: clinical testing. Allele origin: germline.
Comment: This variant has not been reported in the literature in individuals with EDA-related conditions. This variant is not present in population databases (ExAC no frequency). This sequence change creates a premature translational stop signal (p.Gln197Argfs*83) in the EDA gene. It is expected to result in an absent or disrupted protein product. Loss-of-function variants in EDA are known to be pathogenic (PMID: 9683615). For these reasons, this variant has been classified as Pathogenic.

Literature cited by the submitters: PubMed 9683615.